The following is an entry in ClinVar:

NM_152906.7(TANGO2):c.446C>T (p.Thr149Met)

Gene: TANGO2 (transport and golgi organization 2 homolog; plus strand). Cytogenetic location: 22q11.21.
Variant type: single nucleotide variant.
Coding change: c.446C>T on transcript NM_152906.7 (MANE Select); coding-DNA position 446, C replaced by T.
Protein change: p.Thr149Met; replaces threonine 149 with methionine.
Molecular consequence: missense variant. On other transcripts: non-coding transcript variant (4), intron variant (11).
Genome position (GRCh38, 1-based): chr22:20,056,008, C>T. VCF-style: chr22-20056008-C-T. GRCh37 (hg19) VCF-style: chr22-20043531-C-T.
Other names: c.152C>T, p.Thr51Met (NM_001322174.2, NM_001322175.2, NM_001283235.3 and 6 more transcripts); c.265+3424C>T (NM_001322163.2, NM_001283179.3, NM_001322167.2 and 4 more transcripts); c.388+3424C>T (NM_001322145.2, NM_001322147.2); c.380+2457C>T (NM_001283199.3); c.446C>T, p.Thr149Met (NM_001283106.3, NM_001283116.3, NM_001283148.3 and 2 more transcripts); c.569C>T, p.Thr190Met (NM_001283129.3, NM_001283215.3, NM_001322141.2 and 2 more transcripts); c.344C>T, p.Thr115Met (NM_001322146.2, NM_001322148.2, NM_001322160.2); c.503+2457C>T (NM_001322149.2); and 1 more; short protein forms T115M, T190M, T51M, T149M.
Identifiers: ClinVar variation 1368748 (VCV001368748.6), dbSNP rs780152948, ClinGen allele CA10106361.
Genomic context (GRCh38, chr22:20,056,008, plus strand): 5'-CAAAGGGAGACGTCATTTGCTACTATGGGAACCGAGGGGAGCCTGATCCTATCGTTTTGA[C>T]GCCAGGTGAGCCTGCCCTGGCAGCCTGATGGGGTGGGGGACTGTTTCTATGCAGAGGTCA-3'
Protein context (NP_690870.3, residues 139-159): NRGEPDPIVL[Thr149Met]PGTYGLSNAL

ClinVar aggregate classification (germline): Uncertain significance. Review status: criteria provided, multiple submitters, no conflicts (2 of 4 stars). 2 submissions from 2 submitters: Uncertain significance (2). Last evaluated 2025-08-08.

Conditions:
Inborn genetic diseases. Identifiers: MedGen C0950123, MeSH D030342.

Allele frequency attached by ClinVar (database versions not stated): ExAC 0.00002; gnomAD exomes 0.00002 and 0.00003; gnomAD 0.00006; TOPMed 0.00006.
gnomAD v4.1: 46 of 1,613,696 alleles (0.0029%); highest among the groups gnomAD compares: African/African-American, 0.0053%; no homozygotes.

Submissions (2):

Ambry Genetics
Classification: Uncertain significance for Inborn genetic diseases. Last evaluated: 2025-08-08. Review status: criteria provided, single submitter. Criteria: Ambry Variant Classification Scheme 2023. Collection method: clinical testing. Allele origin: germline.

Labcorp Genetics (formerly Invitae), Labcorp
Classification: Uncertain significance. Last evaluated: 2022-07-26. Review status: criteria provided, single submitter. Criteria: Invitae Variant Classification Sherloc (09022015). Collection method: clinical testing. Allele origin: germline.
Comment: This sequence change replaces threonine with methionine at codon 149 of the TANGO2 protein (p.Thr149Met). The threonine residue is weakly conserved and there is a moderate physicochemical difference between threonine and methionine. This variant is present in population databases (rs780152948, gnomAD 0.008%). This variant has not been reported in the literature in individuals affected with TANGO2-related conditions. ClinVar contains an entry for this variant (Variation ID: 1368748). Algorithms developed to predict the effect of missense changes on protein structure and function output the following: SIFT: "Not Available"; PolyPhen-2: "Benign"; Align-GVGD: "Not Available". The methionine amino acid residue is found in multiple mammalian species, which suggests that this missense change does not adversely affect protein function. In summary, the available evidence is currently insufficient to determine the role of this variant in disease. Therefore, it has been classified as a Variant of Uncertain Significance.